The following is an entry in ClinVar:

ClinVar aggregate classification (germline): Likely benign. Review status: reviewed by expert panel (3 of 4 stars). 3 submissions from 3 submitters: Likely benign (1). 2 of the submissions do not count toward it. Last evaluated 2024-09-10.

Conditions:
Hereditary thrombocytopenia and hematologic cancer predisposition syndrome. Identifiers: Orphanet 71290, MedGen CN281654, MONDO:0011071.
Inborn genetic diseases. Identifiers: MedGen C0950123, MeSH D030342.
Hereditary thrombocytopenia and hematological cancer predisposition syndrome associated with RUNX1. Also called: RUNX1 Familial Platelet Disorder with Associated Myeloid Malignancies; Familial Platelet Disorder with Propensity to Acute Myelogenous Leukemia; Familial thrombocytopenia with propensity to acute myelogenous leukemia; PLATELET DISORDER, ASPIRIN-LIKE. Identifiers: Orphanet 71290, MedGen C1832388, MeSH C563324, MONDO:0100083, OMIM 601399.

gnomAD v4.1: 9 of 1,602,266 alleles (0.00056%); highest among the groups gnomAD compares: East Asian, 0.016%; no homozygotes.

Submissions (3):

ClinGen Myeloid Malignancy Variant Curation Expert Panel
Classification: Likely benign for Hereditary thrombocytopenia and hematologic cancer predisposition syndrome. Last evaluated: 2024-09-10. Review status: reviewed by expert panel. Criteria: ClinGen MyeloMalig ACMG Specifications v2. Collection method: curation. Allele origin: germline. Inheritance: Autosomal dominant inheritance.
Comment: NM_001754.5(RUNX1):c.999G>A (p.Pro333=) is a synonymous variant which has a SpliceAI score ≤ 0.20 (0.0) (BP4). This variant has a SpliceAI score ≤ 0.20 (0.0) and evolutionary conservation algorithms predict the site as not being conserved (PhyloP score ≤ 2.0 (-0.13)) (BP7). This variant is completely absent from all population databases with at least 20x coverage for RUNX1 (PM2_Supporting). In summary, this variant meets criteria to be classified as likely benign. ACMG/AMP criteria applied, as specified by the Myeloid Malignancy Variant Curation Expert Panel for RUNX1: BP4, BP7, PM2_supporting.

Ambry Genetics
Classification: Likely benign for Inborn genetic diseases. Last evaluated: 2025-03-01. Review status: criteria provided, single submitter. Criteria: Ambry Variant Classification Scheme 2023. Collection method: clinical testing. Allele origin: germline. Not counted in ClinVar's aggregate classification.

Labcorp Genetics (formerly Invitae), Labcorp
Classification: Likely benign for Hereditary thrombocytopenia and hematological cancer predisposition syndrome associated with RUNX1. Last evaluated: 2024-10-30. Review status: criteria provided, single submitter. Criteria: Invitae Variant Classification Sherloc (09022015). Collection method: clinical testing. Allele origin: germline. Not counted in ClinVar's aggregate classification.

NM_001754.5(RUNX1):c.999G>A (p.Pro333=)

Gene: RUNX1 (RUNX family transcription factor 1; minus strand). Cytogenetic location: 21q22.12.
Variant type: single nucleotide variant.
Coding change: c.999G>A on transcript NM_001754.5 (MANE Select); coding-DNA position 999, G replaced by A.
Protein change: p.Pro333=; no amino-acid change (proline 333 retained).
Molecular consequence: synonymous variant.
Genome position (GRCh38, 1-based): chr21:34,792,579, C>T on the plus strand (G>A on the coding strand, the complement: RUNX1 is on the minus strand). VCF-style: chr21-34792579-C-T. GRCh37 (hg19) VCF-style: chr21-36164876-C-T.
Other names: NM_001754.5(RUNX1):c.999G>A; p.Pro333=; c.918G>A, p.Pro306= (NM_001001890.3).
Identifiers: ClinVar variation 2158171 (VCV002158171.6), dbSNP rs956885198, ClinGen allele CA512341384.
Genomic context (GRCh38, chr21:34,792,579, plus strand): 5'-GAAGGCGCCTGGATAGTGCATGCGGGGGTCGGAGATGGAGGGCAGCGCGGGGAACTGGCG[C>T]GGGTCGCTGAACGCTGTCAGGTCGGGTGCCGCTGCAGGGCGGGCAAGAGAACGGAGCGGA-3'
Protein context (NP_001745.2, residues 323-343): TAPDLTAFSD[Pro333=]RQFPALPSIS